The following is an entry in ClinVar:

ClinVar aggregate classification (germline): Uncertain significance (1 of 4 stars; one submission).

Conditions:
NCOA1-related disorder. Also called: NCOA1-related condition.

gnomAD v4.1: 10 of 1,612,540 alleles (0.00062%); highest among the groups gnomAD compares: Admixed American, 0.0034%; no homozygotes.

Submission:

PreventionGenetics, part of Exact Sciences
Classification: Uncertain significance for NCOA1-related condition. Last evaluated: 2025-01-21. Review status: criteria provided, single submitter. Criteria: ACMG Guidelines, 2015. Collection method: clinical testing. Allele origin: germline.
Comment: The NCOA1 c.2371A>G variant is predicted to result in the amino acid substitution p.Met791Val. This variant was reported in an individual from a large cohort with severe obesity; however, no additional evidence was provided to support causation (Cacciottolo et al. 2022. PMID: 35137184). This variant is reported in 0.0059% of alleles in individuals of Latino descent in gnomAD. At this time, the clinical significance of this variant is uncertain due to the absence of conclusive functional and genetic evidence.

NM_003743.5(NCOA1):c.2371A>G (p.Met791Val)

Gene: NCOA1 (nuclear receptor coactivator 1; plus strand). Cytogenetic location: 2p23.3.
Variant type: single nucleotide variant.
Coding change: c.2371A>G on transcript NM_003743.5 (MANE Select); coding-DNA position 2371, A replaced by G.
Protein change: p.Met791Val; replaces methionine 791 with valine.
Molecular consequence: missense variant.
Genome position (GRCh38, 1-based): chr2:24,707,841, A>G. VCF-style: chr2-24707841-A-G. GRCh37 (hg19) VCF-style: chr2-24930710-A-G.
Other names: c.2371A>G, p.Met791Val (NM_001362950.1, NM_001362952.1, NM_001362954.1 and 3 more transcripts); short protein forms M791V.
Identifiers: ClinVar variation 4990560 (VCV004990560.1).